The following is an entry in ClinVar:

ClinVar aggregate classification (germline): Benign/Likely benign. Review status: criteria provided, multiple submitters, no conflicts (2 of 4 stars). 9 submissions from 9 submitters: Benign (2); Likely benign (6). 1 of the submissions does not count toward it. Last evaluated 2025-12-21.

Conditions:
APC-related disorder. Also called: APC-related condition.
Familial adenomatous polyposis 1 (FAP1). Also called: FAMILIAL ADENOMATOUS POLYPOSIS 1, ATTENUATED; POLYPOSIS, ADENOMATOUS INTESTINAL. Identifiers: MedGen C2713442, MONDO:0021056, OMIM 175100. Disease mechanism: loss of function.
Classic or attenuated familial adenomatous polyposis. Identifiers: MedGen CN372698, MONDO:0021057.
Hereditary cancer-predisposing syndrome. Also called: Neoplastic Syndromes, Hereditary; Tumor predisposition; Hereditary Cancer Syndrome; Hereditary neoplastic syndrome. Identifiers: Orphanet 140162, MedGen C0027672, MeSH D009386, MONDO:0015356.

Allele frequency attached by ClinVar (database versions not stated): gnomAD exomes 0.00001 and 0.00002; ExAC 0.00002; gnomAD 0.00004 and 0.00005; TOPMed 0.00007; ESP Exome Variant Server 0.00015; 1000 Genomes Project 30x 0.00016; 1000 Genomes Project 0.00020.
gnomAD v4.1: 26 of 1,614,204 alleles (0.0016%); highest among the groups gnomAD compares: African/African-American, 0.035%; no homozygotes.

Submissions (9):

Labcorp Genetics (formerly Invitae), Labcorp
Classification: Likely benign for Familial adenomatous polyposis 1. Last evaluated: 2025-12-21. Review status: criteria provided, single submitter. Criteria: Invitae Variant Classification Sherloc (09022015). Collection method: clinical testing. Allele origin: germline.

Quest Diagnostics Nichols Institute San Juan Capistrano
Classification: Benign. Last evaluated: 2025-05-15. Review status: criteria provided, single submitter. Criteria: Quest Diagnostics criteria. Collection method: clinical testing. Allele origin: unknown.

Myriad Genetics, Inc.
Classification: Benign for Familial adenomatous polyposis 1. Last evaluated: 2024-03-15. Review status: criteria provided, single submitter. Criteria: Myriad Autosomal Dominant, Autosomal Recessive and X-Linked Classification Criteria (2023). Collection method: clinical testing. Allele origin: unknown.
Comment: This variant is considered benign. This variant is a silent/synonymous amino acid change and it is not expected to impact splicing.

All of Us Research Program, National Institutes of Health
Classification: Likely benign for Classic or attenuated familial adenomatous polyposis. Last evaluated: 2023-12-18. Review status: criteria provided, single submitter. Criteria: ACMG Guidelines, 2015. Collection method: clinical testing. Allele origin: germline. Inheritance: Autosomal dominant inheritance. Observed: 3 variant alleles, 3 heterozygotes.
Comment: This study involves interpretation of variants in research participants for the purpose of population health screening. Participant phenotype was not available at the time of variant classification. Additional details can be found in publication PMID: 35346344, PMCID: PMC8962531

GeneDx
Classification: Likely benign. Last evaluated: 2020-07-10. Review status: criteria provided, single submitter. Criteria: GeneDx Variant Classification Process June 2021. Collection method: clinical testing. Allele origin: germline. Affected: yes.

Women's Health and Genetics/Laboratory Corporation of America, LabCorp
Classification: Likely benign. Last evaluated: 2019-11-25. Review status: criteria provided, single submitter. Criteria: LabCorp Variant Classification Summary - May 2015. Collection method: clinical testing. Allele origin: germline.

Color Diagnostics, LLC DBA Color Health
Classification: Likely benign for Hereditary cancer-predisposing syndrome. Last evaluated: 2018-02-05. Review status: criteria provided, single submitter. Criteria: ACMG Guidelines, 2015. Collection method: clinical testing. Allele origin: germline.

Ambry Genetics
Classification: Likely benign for Hereditary cancer-predisposing syndrome. Last evaluated: 2015-04-23. Review status: criteria provided, single submitter. Criteria: Ambry Variant Classification Scheme 2023. Collection method: clinical testing. Allele origin: germline.

PreventionGenetics, part of Exact Sciences
Classification: Likely benign for APC-related condition. Last evaluated: 2022-05-23. Review status: no assertion criteria provided. Collection method: clinical testing. Allele origin: germline. Not counted in ClinVar's aggregate classification.
Comment: This variant is classified as likely benign based on ACMG/AMP sequence variant interpretation guidelines (Richards et al. 2015 PMID: 25741868, with internal and published modifications).

NM_000038.6(APC):c.2778T>C (p.Ser926=)

Gene: APC (APC regulator of Wnt signaling pathway; plus strand). Cytogenetic location: 5q22.2.
Variant type: single nucleotide variant.
Coding change: c.2778T>C on transcript NM_000038.6 (MANE Select); coding-DNA position 2778, T replaced by C.
Protein change: p.Ser926=; no amino-acid change (serine 926 retained).
Molecular consequence: synonymous variant.
Genome position (GRCh38, 1-based): chr5:112,838,372, T>C. VCF-style: chr5-112838372-T-C. GRCh37 (hg19) VCF-style: chr5-112174069-T-C.
Other names: c.2778T>C, p.Ser926= (NM_001127510.3, NM_001354895.2); c.2724T>C, p.Ser908= (NM_001127511.3); c.2832T>C, p.Ser944= (NM_001354896.2); c.2808T>C, p.Ser936= (NM_001354897.2); c.2703T>C, p.Ser901= (NM_001354898.2); c.2694T>C, p.Ser898= (NM_001354899.2); c.2655T>C, p.Ser885= (NM_001354900.2); c.2601T>C, p.Ser867= (NM_001354901.2); and 5 more.
Identifiers: ClinVar variation 231542 (VCV000231542.64), dbSNP rs371526966, ClinGen allele CA033392.